The following is an entry in ClinVar:

NM_000329.3(RPE65):c.1069_1070insT (p.Ala357fs)

Gene: RPE65 (retinoid isomerohydrolase RPE65; minus strand). Cytogenetic location: 1p31.3.
Variant type: Insertion.
Coding change: c.1069_1070insT on transcript NM_000329.3 (MANE Select); coding-DNA positions 1069 to 1070, T inserted.
Protein change: p.Ala357fs; shifts the reading frame from alanine 357.
Molecular consequence: frameshift variant.
Genome position: GRCh38 VCF-style: chr1-68438245-G-GA. GRCh37 (hg19) VCF-style: chr1-68903928-G-GA.
Other names: c.961_962insT, p.Ala321fs (NM_001406853.1); c.793_794insT, p.Ala265fs (NM_001406856.1, NM_001406857.1); c.1069_1070insT, p.Ala357fs (NM_001406859.1); short protein forms A265fs, A321fs, A357fs.
Identifiers: ClinVar variation 5011859 (VCV005011859.1).

ClinVar aggregate classification (germline): Pathogenic (1 of 4 stars; one submission).

Conditions:
RPE65-related recessive retinopathy. Also called: Recessive RPE65 retinopathy. Identifiers: MedGen CN305526, MONDO:0100368.

Submission:

Myriad Genetics, Inc.
Classification: Pathogenic for RPE65-related recessive retinopathy. Last evaluated: 2024-05-14. Review status: criteria provided, single submitter. Criteria: Myriad Autosomal Dominant, Autosomal Recessive and X-Linked Classification Criteria (2023). Collection method: clinical testing. Allele origin: unknown.
Comment: NM_000329.2(RPE65):c.1069_1070insT(A357Vfs*8) is expected to be pathogenic in the context of inherited retinal dystrophy, RPE65-related. This variant is predicted to lead to an abnormal or absent protein product due to the creation of a premature termination codon in RPE65, a gene where loss-of-function variants are known to be pathogenic. Please note: this variant was assessed in the context of healthy population screening.